The following is an entry in ClinVar:

NM_183357.3(ADCY5):c.2173G>A (p.Asp725Asn)

Gene: ADCY5 (adenylate cyclase 5; minus strand). Cytogenetic location: 3q21.1.
Variant type: single nucleotide variant.
Coding change: c.2173G>A on transcript NM_183357.3 (MANE Select); coding-DNA position 2173, G replaced by A.
Protein change: p.Asp725Asn; replaces aspartic acid 725 with asparagine.
Molecular consequence: missense variant.
Genome position (GRCh38, 1-based): chr3:123,319,757, C>T on the plus strand (G>A on the coding strand, the complement: ADCY5 is on the minus strand). VCF-style: chr3-123319757-C-T. GRCh37 (hg19) VCF-style: chr3-123038604-C-T.
Other names: c.1123G>A, p.Asp375Asn (NM_001199642.1); c.2173G>A, p.Asp725Asn (NM_001378259.1); short protein forms D375N, D725N.
Identifiers: ClinVar variation 3369334 (VCV003369334.2).

ClinVar aggregate classification (germline): Uncertain significance (1 of 4 stars; one submission).

Submission:

GeneDx
Classification: Uncertain significance. Last evaluated: 2026-04-22. Review status: criteria provided, single submitter. Criteria: GeneDx Variant Classification Process June 2021. Collection method: clinical testing. Allele origin: germline.
Comment: Not observed at significant frequency in large population cohorts (gnomAD); In silico analysis supports that this missense variant has a deleterious effect on protein structure/function; Has not been previously published as pathogenic or benign to our knowledge